The following is an entry in ClinVar:

ClinVar aggregate classification (germline): Uncertain significance. Review status: criteria provided, multiple submitters, no conflicts (2 of 4 stars). 2 submissions from 2 submitters: Uncertain significance (2). Last evaluated 2025-06-29.

Conditions:
Inborn genetic diseases. Identifiers: MedGen C0950123, MeSH D030342.
Immunodeficiency 104. Also called: Severe combined immunodeficiency, autosomal recessive, T cell-negative, B cell-positive, NK cell-positive; Severe Combined Immune Deficiency, Autosomal Recessive, TCell -Negative, B Cell-Positive, NK Cell-Positive, IL7R-Related; IMMUNODEFICIENCY 104, SEVERE COMBINED; SCID, AUTOSOMAL RECESSIVE, T CELL-NEGATIVE, B CELL-POSITIVE, NK CELL-POSITIVE. Identifiers: MedGen C5676890, MONDO:0012163, OMIM 608971.

Allele frequency attached by ClinVar (database versions not stated): gnomAD exomes below 0.00001; ExAC 0.00001.
gnomAD v4.1: 2 of 1,598,842 alleles (0.00013%); highest among the groups gnomAD compares: Non-Finnish European, 0.00017%; no homozygotes.

Submissions (3):

Ambry Genetics
Classification: Uncertain significance for Inborn genetic diseases. Last evaluated: 2025-06-29. Review status: criteria provided, single submitter. Criteria: Ambry Variant Classification Scheme 2023. Collection method: clinical testing. Allele origin: germline.

Labcorp Genetics (formerly Invitae), Labcorp
Classification: Uncertain significance for Immunodeficiency 104. Last evaluated: 2021-08-31. Review status: criteria provided, single submitter. Criteria: Invitae Variant Classification Sherloc (09022015). Collection method: clinical testing. Allele origin: germline.
Comment: This sequence change replaces aspartic acid with glycine at codon 622 of the PTPRC protein (p.Asp622Gly). The aspartic acid residue is highly conserved and there is a moderate physicochemical difference between aspartic acid and glycine. This variant is present in population databases (rs762123424, ExAC 0.002%). This variant has not been reported in the literature in individuals affected with PTPRC-related conditions. Algorithms developed to predict the effect of missense changes on protein structure and function (SIFT, PolyPhen-2, Align-GVGD) all suggest that this variant is likely to be disruptive. Algorithms developed to predict the effect of sequence changes on RNA splicing suggest that this variant may create or strengthen a splice site. In summary, the available evidence is currently insufficient to determine the role of this variant in disease. Therefore, it has been classified as a Variant of Uncertain Significance.

Dr. Peter K. Rogan Lab, Western University
No classification provided (evidence only). Condition: Gastric cancer. Review status: no classification provided. Collection method: in vitro. Allele origin: not applicable. Functional consequence: retained intron. Not counted in ClinVar's aggregate classification.

NM_002838.5(PTPRC):c.1865A>G (p.Asp622Gly)

Gene: PTPRC (protein tyrosine phosphatase receptor type C; plus strand). Cytogenetic location: 1q32.1.
Variant type: single nucleotide variant.
Coding change: c.1865A>G on transcript NM_002838.5 (MANE Select); coding-DNA position 1865, A replaced by G.
Protein change: p.Asp622Gly; replaces aspartic acid 622 with glycine.
Molecular consequence: missense variant.
Genome position (GRCh38, 1-based): chr1:198,731,617, A>G. VCF-style: chr1-198731617-A-G. GRCh37 (hg19) VCF-style: chr1-198700746-A-G.
Other names: c.1382A>G, p.Asp461Gly (NM_080921.4); c.1859A>G (NM_002838.3); short protein forms D461G, D622G.
Identifiers: ClinVar variation 651625 (VCV000651625.8), dbSNP rs762123424, ClinGen allele CA1314934.